The following is an entry in ClinVar:

ClinVar aggregate classification (germline): Benign/Likely benign. Review status: criteria provided, multiple submitters, no conflicts (2 of 4 stars). 9 submissions from 9 submitters: Benign (1); Likely benign (5). 3 of the submissions do not count toward it. Last evaluated 2026-01-28.

Conditions:
Hereditary breast ovarian cancer syndrome. Also called: Hereditary breast and ovarian cancer syndrome; Hereditary breast and ovarian cancer; Hereditary breast and ovarian cancer syndrome (HBOC); Breast and ovarian cancer; Hereditary breast and/or ovarian cancer syndrome; BRCA1- and BRCA2-Associated Hereditary Breast and Ovarian Cancer. Identifiers: Orphanet 145, MedGen C0677776, MeSH D061325, MONDO:0003582. Disease mechanism: loss of function.
Hereditary cancer-predisposing syndrome. Also called: Neoplastic Syndromes, Hereditary; Tumor predisposition; Hereditary neoplastic syndrome; Hereditary Cancer Syndrome. Identifiers: Orphanet 140162, MedGen C0027672, MeSH D009386, MONDO:0015356.
Breast-ovarian cancer, familial, susceptibility to, 2 (BROVCA2). Also called: BRCA2 Hereditary Breast and Ovarian Cancer. Identifiers: Orphanet 145, MedGen C2675520, MONDO:0012933, OMIM 612555. Disease mechanism: loss of function.

Allele frequency attached by ClinVar (database versions not stated): gnomAD 0.00001; TOPMed 0.00002.
gnomAD v4.1: 12 of 1,446,556 alleles (0.00083%); highest among the groups gnomAD compares: Admixed American, 0.0087%; no homozygotes.

Submissions (9):

Labcorp Genetics (formerly Invitae), Labcorp
Classification: Likely benign for Hereditary breast ovarian cancer syndrome. Last evaluated: 2026-01-28. Review status: criteria provided, single submitter. Criteria: Invitae Variant Classification Sherloc (09022015). Collection method: clinical testing. Allele origin: germline.

Women's Health and Genetics/Laboratory Corporation of America, LabCorp
Classification: Likely benign. Last evaluated: 2021-08-15. Review status: criteria provided, single submitter. Criteria: LabCorp Variant Classification Summary - May 2015. Collection method: clinical testing. Allele origin: germline.
Comment: Variant summary: BRCA2 c.6842-19A>G alters a non-conserved nucleotide located close to a canonical splice site and therefore could affect mRNA splicing, leading to a significantly altered protein sequence. 4/4 computational tools predict no significant impact on normal splicing. However, these predictions have yet to be confirmed by functional studies. The variant allele was found at a frequency of 1.7e-05 in 238882 control chromosomes. The available data on variant occurrences in the general population are insufficient to allow any conclusion about variant significance. c.6842-19A>G has been reported in the literature in at-least one individual affected with Uterine serous carcinoma who had a personal history of Breast cancer (example, Lavie_2011). These report(s) do not provide unequivocal conclusions about association of the variant with Hereditary Breast And Ovarian Cancer Syndrome. At-least one co-occurrence with another pathogenic variant has been reported in the UMD database (BRCA2 c.5682C>G, p.Tyr1894Ter), providing supporting evidence for a benign role. To our knowledge, no experimental evidence demonstrating an impact on protein function has been reported. Four clinical diagnostic laboratories have submitted clinical-significance assessments for this variant to ClinVar after 2014 without evidence for independent evaluation. All laboratories classified the variant as likely benign. Based on the evidence outlined above, the variant was classified as likely benign.

Mendelics
Classification: Likely benign for Breast-ovarian cancer, familial, susceptibility to, 2. Last evaluated: 2019-05-28. Review status: criteria provided, single submitter. Criteria: Mendelics Assertion Criteria 2017. Collection method: clinical testing. Allele origin: unknown.

Color Diagnostics, LLC DBA Color Health
Classification: Likely benign for Hereditary cancer-predisposing syndrome. Last evaluated: 2017-05-07. Review status: criteria provided, single submitter. Criteria: ACMG Guidelines, 2015. Collection method: clinical testing. Allele origin: germline.

GeneDx
Classification: Benign. Last evaluated: 2015-03-24. Review status: criteria provided, single submitter. Criteria: GeneDx Variant Classification Process June 2021. Collection method: clinical testing. Allele origin: germline. Affected: yes.

Ambry Genetics
Classification: Likely benign for Hereditary cancer-predisposing syndrome. Last evaluated: 2014-09-15. Review status: criteria provided, single submitter. Criteria: Ambry Variant Classification Scheme 2023. Collection method: clinical testing. Allele origin: germline.

BRCAlab, Lund University
Classification: Likely benign for Breast-ovarian cancer, familial, susceptibility to, 2. Last evaluated: 2020-03-02. Review status: no assertion criteria provided. Collection method: clinical testing. Allele origin: germline. Affected: yes. Not counted in ClinVar's aggregate classification.

Counsyl
Classification: Likely benign for Breast-ovarian cancer, familial, susceptibility to, 2. Last evaluated: 2018-03-08. Review status: no assertion criteria provided. Collection method: clinical testing. Allele origin: unknown. Not counted in ClinVar's aggregate classification.

Breast Cancer Information Core (BIC) (BRCA2)
Classification: Uncertain significance for Breast-ovarian cancer, familial 2. Last evaluated: 2002-05-29. Review status: no assertion criteria provided. Collection method: clinical testing. Allele origin: germline. Affected: yes. Observed: 3 variant alleles. Not counted in ClinVar's aggregate classification.

Literature cited by the submitters: PubMed 21119368 (cited by Women's Health and Genetics/Laboratory Corporation of America, LabCorp).

NM_000059.4(BRCA2):c.6842-19A>G

Gene: BRCA2 (BRCA2 DNA repair associated; plus strand). Cytogenetic location: 13q13.1.
Variant type: single nucleotide variant.
Coding change: c.6842-19A>G on transcript NM_000059.4 (MANE Select); 19 bases into the intron before coding-DNA position 6842, A replaced by G.
Molecular consequence: intron variant.
Genome position (GRCh38, 1-based): chr13:32,344,539, A>G. VCF-style: chr13-32344539-A-G. GRCh37 (hg19) VCF-style: chr13-32918676-A-G.
Other names: IVS11-19A>G.
Identifiers: ClinVar variation 52210 (VCV000052210.20), dbSNP rs81002865, ClinGen allele CA024505.